The following is an entry in ClinVar:

NM_003901.4(SGPL1):c.153G>A (p.Leu51=)

Gene: SGPL1 (sphingosine-1-phosphate lyase 1; plus strand). Cytogenetic location: 10q22.1.
Variant type: single nucleotide variant.
Coding change: c.153G>A on transcript NM_003901.4 (MANE Select); coding-DNA position 153, G replaced by A.
Protein change: p.Leu51=; no amino-acid change (leucine 51 retained).
Molecular consequence: synonymous variant.
Genome position (GRCh38, 1-based): chr10:70,844,598, G>A. VCF-style: chr10-70844598-G-A. GRCh37 (hg19) VCF-style: chr10-72604355-G-A.
Other names: c.153G>A (NM_003901.3).
Identifiers: ClinVar variation 1646728 (VCV001646728.11), dbSNP rs375707600, ClinGen allele CA5541092.

ClinVar aggregate classification (germline): Likely benign. Review status: criteria provided, multiple submitters, no conflicts (2 of 4 stars). 3 submissions from 3 submitters: Likely benign (2). 1 of the submissions does not count toward it. Last evaluated 2026-01-26.

Conditions:
SGPL1-related disorder. Also called: SGPL1-related condition. Identifiers: MedGen CN380158.

Allele frequency attached by ClinVar (database versions not stated): gnomAD exomes 0.00016; ESP Exome Variant Server 0.00008; TOPMed 0.00008; gnomAD 0.00011 and 0.00012; ExAC 0.00013.
gnomAD v4.1: 256 of 1,613,986 alleles (0.016%); highest among the groups gnomAD compares: Non-Finnish European, 0.017%; 1 homozygote.

Submissions (3):

Labcorp Genetics (formerly Invitae), Labcorp
Classification: Likely benign. Last evaluated: 2026-01-26. Review status: criteria provided, single submitter. Criteria: Invitae Variant Classification Sherloc (09022015). Collection method: clinical testing. Allele origin: germline.

Blueprint Genetics
Classification: Likely benign. Last evaluated: 2024-09-24. Review status: criteria provided, single submitter. Criteria: ACMG Guidelines, 2015. Collection method: clinical testing. Allele origin: germline.

PreventionGenetics, part of Exact Sciences
Classification: Likely benign for SGPL1-related condition. Last evaluated: 2021-12-09. Review status: no assertion criteria provided. Collection method: clinical testing. Allele origin: germline. Not counted in ClinVar's aggregate classification.
Comment: This variant is classified as likely benign based on ACMG/AMP sequence variant interpretation guidelines (Richards et al. 2015 PMID: 25741868, with internal and published modifications).